The following is an entry in ClinVar:

NM_021969.3(NR0B2):c.734A>G (p.Asp245Gly)

Genes: NR0B2 (nuclear receptor subfamily 0 group B member 2; minus strand), NUDC (nuclear distribution C, dynein complex regulator; plus strand). Cytogenetic location: 1p36.11.
Variant type: single nucleotide variant.
Coding change: c.734A>G on transcript NM_021969.3 (MANE Select); coding-DNA position 734, A replaced by G.
Protein change: p.Asp245Gly; replaces aspartic acid 245 with glycine.
Molecular consequence: missense variant.
Genome position (GRCh38, 1-based): chr1:26,911,885, T>C on the plus strand (A>G on the coding strand, the complement: NR0B2 is on the minus strand). VCF-style: chr1-26911885-T-C. GRCh37 (hg19) VCF-style: chr1-27238376-T-C.
Other names: short protein forms D245G.
Identifiers: ClinVar variation 2628944 (VCV002628944.2), dbSNP rs1477959726, ClinGen allele CA339187862.

ClinVar aggregate classification (germline): Uncertain significance. Review status: criteria provided, multiple submitters, no conflicts (2 of 4 stars). 2 submissions from 2 submitters: Uncertain significance (2). Last evaluated 2024-01-17.

Conditions:
NR0B2-related disorder. Also called: NR0B2-related condition.

Allele frequency attached by ClinVar (database versions not stated): gnomAD 0.00001; TOPMed 0.00001; gnomAD exomes 0.00013.
gnomAD v4.1: 184 of 1,613,942 alleles (0.011%); highest among the groups gnomAD compares: Non-Finnish European, 0.015%; no homozygotes.

Submissions (2):

Ambry Genetics
Classification: Uncertain significance. Last evaluated: 2024-01-17. Review status: criteria provided, single submitter. Criteria: Ambry Variant Classification Scheme 2023. Collection method: clinical testing. Allele origin: germline.

PreventionGenetics, part of Exact Sciences
Classification: Uncertain significance for NR0B2-related condition. Last evaluated: 2023-08-10. Review status: criteria provided, single submitter. Criteria: ACMG Guidelines, 2015. Collection method: clinical testing. Allele origin: germline.
Comment: The NR0B2 c.734A>G variant is predicted to result in the amino acid substitution p.Asp245Gly. To our knowledge, this variant has not been reported in the literature. This variant is reported in 0.00088% of alleles in individuals of European (Non-Finnish) descent in gnomAD. At this time, the clinical significance of this variant is uncertain due to the absence of conclusive functional and genetic evidence.